The following is an entry in ClinVar:

ClinVar aggregate classification (germline): Benign/Likely benign. Review status: criteria provided, multiple submitters, no conflicts (2 of 4 stars). 5 submissions from 5 submitters: Benign (1); Likely benign (4). Last evaluated 2025-09-11.

Conditions:
Hereditary nonpolyposis colorectal neoplasms. Identifiers: MedGen C0009405, MeSH D003123.
Lynch syndrome 5 (LYNCH5). Also called: Colorectal cancer, hereditary nonpolyposis, type 5; Hereditary non-polyposis colorectal cancer, type 5. Identifiers: Orphanet 144, MedGen C1833477, MONDO:0013710, OMIM 614350. Disease mechanism: loss of function.
Hereditary cancer-predisposing syndrome. Also called: Neoplastic Syndromes, Hereditary; Tumor predisposition; Hereditary Cancer Syndrome; Hereditary neoplastic syndrome. Identifiers: Orphanet 140162, MedGen C0027672, MeSH D009386, MONDO:0015356.

Allele frequency attached by ClinVar (database versions not stated): gnomAD exomes below 0.00001.

Submissions (5):

Labcorp Genetics (formerly Invitae), Labcorp
Classification: Likely benign for Hereditary nonpolyposis colorectal neoplasms. Last evaluated: 2025-09-11. Review status: criteria provided, single submitter. Criteria: Invitae Variant Classification Sherloc (09022015). Collection method: clinical testing. Allele origin: germline.

Women's Health and Genetics/Laboratory Corporation of America, LabCorp
Classification: Likely benign. Last evaluated: 2025-01-16. Review status: criteria provided, single submitter. Criteria: LabCorp Variant Classification Summary - May 2015. Collection method: clinical testing. Allele origin: germline.

Myriad Genetics, Inc.
Classification: Benign for Lynch syndrome 5. Last evaluated: 2024-12-26. Review status: criteria provided, single submitter. Criteria: Myriad Autosomal Dominant, Autosomal Recessive and X-Linked Classification Criteria (2023). Collection method: clinical testing. Allele origin: unknown.
Comment: This variant is considered benign. This variant is a silent/synonymous amino acid change and it is not expected to impact splicing.

Color Diagnostics, LLC DBA Color Health
Classification: Likely benign for Hereditary cancer-predisposing syndrome. Last evaluated: 2024-04-15. Review status: criteria provided, single submitter. Criteria: ACMG Guidelines, 2015. Collection method: clinical testing. Allele origin: germline.

Ambry Genetics
Classification: Likely benign for Hereditary cancer-predisposing syndrome. Last evaluated: 2021-01-06. Review status: criteria provided, single submitter. Criteria: Ambry Variant Classification Scheme 2023. Collection method: clinical testing. Allele origin: germline.

NM_000179.3(MSH6):c.1293A>G (p.Lys431=)

Gene: MSH6 (mutS homolog 6; plus strand). Cytogenetic location: 2p16.3.
Variant type: single nucleotide variant.
Coding change: c.1293A>G on transcript NM_000179.3 (MANE Select); coding-DNA position 1293, A replaced by G.
Protein change: p.Lys431=; no amino-acid change (lysine 431 retained).
Molecular consequence: synonymous variant.
Genome position (GRCh38, 1-based): chr2:47,799,276, A>G. VCF-style: chr2-47799276-A-G. GRCh37 (hg19) VCF-style: chr2-48026415-A-G.
Other names: c.903A>G, p.Lys301= (NM_001281492.2); c.387A>G, p.Lys129= (NM_001281493.2, NM_001281494.2).
Identifiers: ClinVar variation 525881 (VCV000525881.16), dbSNP rs1553412731, ClinGen allele CA426120898.